The following is an entry in ClinVar:

ClinVar aggregate classification (germline): Pathogenic (1 of 4 stars; one submission).

Conditions:
Galactosylceramide beta-galactosidase deficiency. Also called: Krabbe Disease; Leukodystrophy, Globoid Cell; GALACTOCEREBROSIDASE DEFICIENCY; GALC DEFICIENCY; GLOBOID CELL LEUKOENCEPHALOPATHY. Identifiers: Orphanet 487, MedGen C0023521, MONDO:0009499, OMIM 245200.

Submission:

Labcorp Genetics (formerly Invitae), Labcorp
Classification: Pathogenic for Galactosylceramide beta-galactosidase deficiency. Last evaluated: 2022-10-28. Review status: criteria provided, single submitter. Criteria: Invitae Variant Classification Sherloc (09022015). Collection method: clinical testing. Allele origin: germline.
Comment: For these reasons, this variant has been classified as Pathogenic. Algorithms developed to predict the effect of sequence changes on RNA splicing suggest that this variant may disrupt the consensus splice site. Disruption of this splice site has been observed in individual(s) with Krabbe disease (PMID: 28598007). This variant is not present in population databases (gnomAD no frequency). This sequence change affects a donor splice site in intron 1 of the GALC gene. It is expected to disrupt RNA splicing. Variants that disrupt the donor or acceptor splice site typically lead to a loss of protein function (PMID: 16199547), and loss-of-function variants in GALC are known to be pathogenic (PMID: 7437911, 9272171, 16607461).

Literature cited by the submitters: PubMed 28598007; PubMed 16199547; PubMed 7437911; PubMed 9272171; PubMed 16607461.

NM_000153.4(GALC):c.195+2T>C

Genes: GALC (galactosylceramidase; minus strand), LOC130056217 (ATAC-STARR-seq lymphoblastoid silent region 5988; plus strand). Cytogenetic location: 14q31.3.
Variant type: single nucleotide variant.
Coding change: c.195+2T>C on transcript NM_000153.4 (MANE Select); the canonical splice donor site of the intron after coding-DNA position 195, T replaced by C.
Molecular consequence: splice donor variant. On other transcripts: intron variant (1).
Genome position (GRCh38, 1-based): chr14:87,992,968, A>G on the plus strand (T>C on the coding strand, the complement: GALC is on the minus strand). VCF-style: chr14-87992968-A-G. GRCh37 (hg19) VCF-style: chr14-88459312-A-G.
Other names: c.117+415T>C (NM_001201402.2); c.195+2T>C (NM_001201401.2).
Identifiers: ClinVar variation 2004576 (VCV002004576.4), dbSNP rs954071713, ClinGen allele CA390771646.